The following is an entry in ClinVar:

ClinVar aggregate classification (germline): Pathogenic (1 of 4 stars; one submission).

Conditions:
Congenital myasthenic syndrome 4A. Also called: Myasthenic syndrome, congenital, 4a, slow-channel; CONGENITAL MYASTHENIC SYNDROME TYPE Ia1; MYASTHENIC SYNDROME, CONGENITAL, 4A, SLOW-CHANNEL, AUTOSOMAL RECESSIVE. Identifiers: Orphanet 590, MedGen C4225413, MONDO:0011600, OMIM 605809.

Submission:

Labcorp Genetics (formerly Invitae), Labcorp
Classification: Pathogenic for Congenital myasthenic syndrome 4A. Last evaluated: 2023-06-02. Review status: criteria provided, single submitter. Criteria: Invitae Variant Classification Sherloc (09022015). Collection method: clinical testing. Allele origin: germline.
Comment: This sequence change creates a premature translational stop signal (p.Val105Cysfs*30) in the CHRNE gene. It is expected to result in an absent or disrupted protein product. Loss-of-function variants in CHRNE are known to be pathogenic (PMID: 22678886). This variant is not present in population databases (gnomAD no frequency). This variant has not been reported in the literature in individuals affected with CHRNE-related conditions. For these reasons, this variant has been classified as Pathogenic.

Literature cited by the submitters: PubMed 22678886.

NM_000080.4(CHRNE):c.313_319del (p.Val105fs)

Genes: C17orf107 (chromosome 17 open reading frame 107; plus strand), CHRNE (cholinergic receptor nicotinic epsilon subunit; minus strand). Cytogenetic location: 17p13.2.
Variant type: Deletion.
Coding change: c.313_319del on transcript NM_000080.4 (MANE Select); coding-DNA positions 313 to 319, 7 bases deleted (GTGTGGC; older notation c.313_319delGTGTGGC).
Protein change: p.Val105fs; shifts the reading frame from valine 105.
Molecular consequence: frameshift variant. On other transcripts: 3 prime UTR variant (1).
Genome position (GRCh38, 1-based): chr17:4,902,242-4,902,248, GCCACAC deleted on the plus strand (GTGTGGC on the coding strand, the reverse complement: CHRNE is on the minus strand); deleting any 7 consecutive bases within chr17:4,902,242-4,902,249 gives the same sequence; the c. name uses the placement nearest the transcript's 3' end. VCF-style (leftmost placement, unchanged base first): chr17-4902241-AGCCACAC-A. GRCh37 (hg19) VCF-style: chr17-4805536-AGCCACAC-A.
Other names: c.*1710_*1716del (NM_001145536.2); short protein forms V105fs.
Identifiers: ClinVar variation 2758229 (VCV002758229.3), dbSNP rs2507561424, ClinGen allele CA2697556129.